The following is an entry in ClinVar:

ClinVar aggregate classification (germline): Uncertain significance (1 of 4 stars; one submission).

Submission:

Labcorp Genetics (formerly Invitae), Labcorp
Classification: Uncertain significance. Last evaluated: 2026-01-06. Review status: criteria provided, single submitter. Criteria: Invitae Variant Classification Sherloc (09022015). Collection method: clinical testing. Allele origin: germline.
Comment: This sequence change replaces alanine, which is neutral and non-polar, with valine, which is neutral and non-polar, at codon 113 of the KSR2 protein (p.Ala113Val). This variant is not present in population databases (gnomAD no frequency). This variant has not been reported in the literature in individuals affected with KSR2-related conditions. An algorithm developed to predict the effect of missense changes on protein structure and function (PolyPhen-2) suggests that this variant is likely to be tolerated. In summary, the available evidence is currently insufficient to determine the role of this variant in disease. Therefore, it has been classified as a Variant of Uncertain Significance.

NM_173598.6(KSR2):c.425C>T (p.Ala142Val)

Gene: KSR2 (kinase suppressor of ras 2; minus strand). Cytogenetic location: 12q24.23.
Variant type: single nucleotide variant.
Coding change: c.425C>T on transcript NM_173598.6 (MANE Select); coding-DNA position 425, C replaced by T.
Protein change: p.Ala142Val; replaces alanine 142 with valine.
Molecular consequence: missense variant.
Genome position (GRCh38, 1-based): chr12:117,855,475, G>A on the plus strand (C>T on the coding strand, the complement: KSR2 is on the minus strand). VCF-style: chr12-117855475-G-A. GRCh37 (hg19) VCF-style: chr12-118293280-G-A.
Other names: short protein forms A142V.
Identifiers: ClinVar variation 4711091 (VCV004711091.1).
Genomic context (GRCh38, chr12:117,855,475, plus strand): 5'-GGGGCCTGCTCACCTGACATGTGGACATTCCTGAGGCAGGAGAGGGAGGCGTTGAGGCGG[G>A]CACACTCCTCCCGGTTGGCTCCGTATTTCTCCACAGTCTCGCACACCTGTTCATCCGTCA-3'
Protein context (NP_775869.4, residues 132-152): EKYGANREEC[Ala142Val]RLNASLSCLR